The following is an entry in ClinVar:

ClinVar aggregate classification (germline): Uncertain significance (1 of 4 stars; one submission).

Allele frequency attached by ClinVar (database versions not stated): TOPMed below 0.00001; gnomAD 0.00001.
gnomAD v4.1: 1 of 1,552,090 alleles (0.000064%); highest among the groups gnomAD compares: African/African-American, 0.0014%; no homozygotes.

Submission:

Labcorp Genetics (formerly Invitae), Labcorp
Classification: Uncertain significance. Last evaluated: 2022-08-05. Review status: criteria provided, single submitter. Criteria: Invitae Variant Classification Sherloc (09022015). Collection method: clinical testing. Allele origin: germline.
Comment: This sequence change replaces glutamic acid, which is acidic and polar, with alanine, which is neutral and non-polar, at codon 3177 of the UNC80 protein (p.Glu3177Ala). In summary, the available evidence is currently insufficient to determine the role of this variant in disease. Therefore, it has been classified as a Variant of Uncertain Significance. Algorithms developed to predict the effect of missense changes on protein structure and function are either unavailable or do not agree on the potential impact of this missense change (SIFT: "Not Available"; PolyPhen-2: "Benign"; Align-GVGD: "Not Available"). ClinVar contains an entry for this variant (Variation ID: 1408297). This variant has not been reported in the literature in individuals affected with UNC80-related conditions. This variant is not present in population databases (gnomAD no frequency).

NM_001371986.1(UNC80):c.9728A>C (p.Glu3243Ala)

Gene: UNC80 (unc-80 homolog, NALCN channel complex subunit; plus strand). Cytogenetic location: 2q34.
Variant type: single nucleotide variant.
Coding change: c.9728A>C on transcript NM_001371986.1 (MANE Select); coding-DNA position 9728, A replaced by C.
Protein change: p.Glu3243Ala; replaces glutamic acid 3243 with alanine.
Molecular consequence: missense variant.
Genome position (GRCh38, 1-based): chr2:209,995,348, A>C. VCF-style: chr2-209995348-A-C. GRCh37 (hg19) VCF-style: chr2-210860072-A-C.
Other names: c.9530A>C, p.Glu3177Ala (NM_032504.2); c.9458A>C, p.Glu3153Ala (NM_182587.4); short protein forms E3177A, E3243A, E3153A.
Identifiers: ClinVar variation 1408297 (VCV001408297.7), dbSNP rs1453037786, ClinGen allele CA350416166.